The following is an entry in ClinVar:

ClinVar aggregate classification (germline): Uncertain significance (1 of 4 stars; one submission).

Conditions:
Primary ciliary dyskinesia. Also called: Ciliary dyskinesia. Identifiers: Orphanet 244, MedGen C0008780, MONDO:0016575, HP:0012265.

Allele frequency attached by ClinVar (database versions not stated): gnomAD 0.00003 and 0.00005; gnomAD exomes 0.00005 and 0.00011; TOPMed 0.00005; ExAC 0.00013; 1000 Genomes Project 30x 0.00016; 1000 Genomes Project 0.00020.

Submission:

Labcorp Genetics (formerly Invitae), Labcorp
Classification: Uncertain significance for Primary ciliary dyskinesia. Last evaluated: 2021-08-28. Review status: criteria provided, single submitter. Criteria: Invitae Variant Classification Sherloc (09022015). Collection method: clinical testing. Allele origin: germline.
Comment: This sequence change replaces arginine with cysteine at codon 154 of the DNAAF1 protein (p.Arg154Cys). The arginine residue is highly conserved and there is a large physicochemical difference between arginine and cysteine. This variant is present in population databases (rs574238677, ExAC 0.08%). This variant has not been reported in the literature in individuals affected with DNAAF1-related conditions. Algorithms developed to predict the effect of missense changes on protein structure and function (SIFT, PolyPhen-2, Align-GVGD) all suggest that this variant is likely to be disruptive. In summary, the available evidence is currently insufficient to determine the role of this variant in disease. Therefore, it has been classified as a Variant of Uncertain Significance.

NM_178452.6(DNAAF1):c.460C>T (p.Arg154Cys)

Gene: DNAAF1 (dynein axonemal assembly factor 1; plus strand). Cytogenetic location: 16q24.1.
Variant type: single nucleotide variant.
Coding change: c.460C>T on transcript NM_178452.6 (MANE Select); coding-DNA position 460, C replaced by T.
Protein change: p.Arg154Cys; replaces arginine 154 with cysteine.
Molecular consequence: missense variant.
Genome position (GRCh38, 1-based): chr16:84,154,684, C>T. VCF-style: chr16-84154684-C-T. GRCh37 (hg19) VCF-style: chr16-84188289-C-T.
Other names: short protein forms R154C.
Identifiers: ClinVar variation 862508 (VCV000862508.7), dbSNP rs574238677, ClinGen allele CA8202501.